The following is an entry in ClinVar:

ClinVar aggregate classification (germline): Conflicting classifications of pathogenicity. Review status: criteria provided, conflicting classifications (1 of 4 stars). 5 submissions from 5 submitters: Uncertain significance (4); Likely benign (1). Last evaluated 2026-04-08.

Conditions:
Febrile seizures, familial, 4 (FEB4). Also called: CONVULSIONS, FAMILIAL FEBRILE, 4. Identifiers: MedGen C1858493, MONDO:0011443, OMIM 604352.
Inborn genetic diseases. Identifiers: MedGen C0950123, MeSH D030342.

Allele frequency attached by ClinVar (database versions not stated): TOPMed 0.00002.
gnomAD v4.1: 13 of 1,613,714 alleles (0.00081%); highest among the groups gnomAD compares: African/African-American, 0.0094%; no homozygotes.

Submissions (5):

Women's Health and Genetics/Laboratory Corporation of America, LabCorp
Classification: Uncertain significance. Last evaluated: 2026-04-08. Review status: criteria provided, single submitter. Criteria: LabCorp Variant Classification Summary - May 2015. Collection method: clinical testing. Allele origin: germline.
Comment: Variant summary: ADGRV1 c.15415G>C (p.Glu5139Gln) results in a conservative amino acid change in the encoded protein sequence. Algorithms developed to predict the effect of missense changes on protein structure and function all suggest that this variant is likely to be tolerated. The variant allele was found at a frequency of 2.4e-05 in 249048 control chromosomes. The available data on variant occurrences in the general population are insufficient to allow any conclusion about variant significance. To our knowledge, no occurrence of c.15415G>C in individuals affected with ADGRV1-related conditions and no experimental evidence demonstrating its impact on protein function have been reported. ClinVar contains an entry for this variant (Variation ID: 838279). Based on the evidence outlined above, the variant was classified as uncertain significance.

Labcorp Genetics (formerly Invitae), Labcorp
Classification: Likely benign. Last evaluated: 2024-03-11. Review status: criteria provided, single submitter. Criteria: Invitae Variant Classification Sherloc (09022015). Collection method: clinical testing. Allele origin: germline.

Ambry Genetics
Classification: Uncertain significance for Inborn genetic diseases. Last evaluated: 2023-08-28. Review status: criteria provided, single submitter. Criteria: Ambry Variant Classification Scheme 2023. Collection method: clinical testing. Allele origin: germline.

Blueprint Genetics
Classification: Uncertain significance. Last evaluated: 2021-06-08. Review status: criteria provided, single submitter. Criteria: ACMG Guidelines, 2015. Collection method: clinical testing. Allele origin: germline.

New York Genome Center
Classification: Uncertain significance for Febrile seizures, familial, 4. Last evaluated: 2021-04-09. Review status: criteria provided, single submitter. Criteria: NYGC Assertion Criteria 2020. Collection method: clinical testing. Allele origin: inherited. Observed: 1 heterozygote. Study: CSER-NYCKidSeq.

NM_032119.4(ADGRV1):c.15415G>C (p.Glu5139Gln)

Gene: ADGRV1 (adhesion G protein-coupled receptor V1; plus strand). Cytogenetic location: 5q14.3.
Variant type: single nucleotide variant.
Coding change: c.15415G>C on transcript NM_032119.4 (MANE Select); coding-DNA position 15415, G replaced by C.
Protein change: p.Glu5139Gln; replaces glutamic acid 5139 with glutamine.
Molecular consequence: missense variant. On other transcripts: non-coding transcript variant (1).
Genome position (GRCh38, 1-based): chr5:90,810,675, G>C. VCF-style: chr5-90810675-G-C. GRCh37 (hg19) VCF-style: chr5-90106492-G-C.
Other names: short protein forms E5139Q.
Identifiers: ClinVar variation 838279 (VCV000838279.12), dbSNP rs776241274, ClinGen allele CA3341916.